The following is an entry in ClinVar:

ClinVar aggregate classification (germline): Uncertain significance (1 of 4 stars; one submission).

gnomAD v4.1: 4 of 1,614,240 alleles (0.00025%); highest among the groups gnomAD compares: Non-Finnish European, 0.00034%; no homozygotes.

Submission:

Ambry Genetics
Classification: Uncertain significance. Last evaluated: 2026-08-02. Review status: criteria provided, single submitter. Criteria: Ambry Variant Classification Scheme 2023. Collection method: clinical testing. Allele origin: germline.
Comment: The p.T1065I variant (also known as c.3194C>T), located in coding exon 12 of the CDK12 gene, results from a C to T substitution at nucleotide position 3194. The threonine at codon 1065 is replaced by isoleucine, an amino acid with similar properties. This amino acid position is conserved. In addition, this alteration is predicted to be tolerated by in silico analysis. Based on the available evidence, the clinical significance of this variant remains unclear.

NM_016507.4(CDK12):c.3194C>T (p.Thr1065Ile)

Gene: CDK12 (cyclin dependent kinase 12; plus strand). Cytogenetic location: 17q12.
Variant type: single nucleotide variant.
Coding change: c.3194C>T on transcript NM_016507.4 (MANE Select); coding-DNA position 3194, C replaced by T.
Protein change: p.Thr1065Ile; replaces threonine 1065 with isoleucine.
Molecular consequence: missense variant.
Genome position (GRCh38, 1-based): chr17:39,524,772, C>T. VCF-style: chr17-39524772-C-T. GRCh37 (hg19) VCF-style: chr17-37681025-C-T.
Other names: c.3194C>T, p.Thr1065Ile (NM_015083.4); short protein forms T1065I.
Identifiers: ClinVar variation 5034128 (VCV005034128.1).